The following is an entry in ClinVar:

NM_005026.5(PIK3CD):c.1339+6C>T

Genes: PIK3CD (phosphatidylinositol-4,5-bisphosphate 3-kinase catalytic subunit delta; plus strand), LOC126805612 (MED14-independent group 3 enhancer GRCh37_chr1:9778914-9780113; plus strand). Cytogenetic location: 1p36.22.
Variant type: single nucleotide variant.
Coding change: c.1339+6C>T on transcript NM_005026.5 (MANE Select); 6 bases into the intron after coding-DNA position 1339, C replaced by T.
Molecular consequence: intron variant.
Genome position (GRCh38, 1-based): chr1:9,720,023, C>T. VCF-style: chr1-9720023-C-T. GRCh37 (hg19) VCF-style: chr1-9780081-C-T.
Other names: c.1339+6C>T (NM_001350234.2); c.1252+6C>T (NM_001350235.1).
Identifiers: ClinVar variation 2850919 (VCV002850919.3), dbSNP rs2524988504, ClinGen allele CA2739272247.
Genomic context (GRCh38, chr1:9,720,023, plus strand): 5'-AAGGACCAGCTTAAGACCGGGGAACGCTGCCTCTACATGTGGCCCTCCGTCCCAGGTCGG[C>T]CCAGGCCCAGGAGGGAGAGGCGTTGGGAGTGTGAGGGTCCCAGAGATGCTGGTCACCCCT-3'

ClinVar aggregate classification (germline): Uncertain significance (1 of 4 stars; one submission).

Conditions:
Immunodeficiency 14 (IMD14A). Also called: ACTIVATED PI3K-DELTA SYNDROME 1; p110-DELTA-ACTIVATING MUTATION CAUSING SENESCENT T CELLS, LYMPHADENOPATHY, AND IMMUNODEFICIENCY; Activated PI3K Delta Syndrome Type 1 (APDS1); IMMUNODEFICIENCY 14A WITH LYMPHOPROLIFERATION, AUTOSOMAL DOMINANT. Identifiers: Orphanet 397596, Orphanet 693661, MedGen C5907821, MONDO:0014222, OMIM 615513.

Submission:

Labcorp Genetics (formerly Invitae), Labcorp
Classification: Uncertain significance for Activated PI3K-delta syndrome. Last evaluated: 2023-03-30. Review status: criteria provided, single submitter. Criteria: Invitae Variant Classification Sherloc (09022015). Collection method: clinical testing. Allele origin: germline.
Comment: This variant is not present in population databases (gnomAD no frequency). This sequence change falls in intron 10 of the PIK3CD gene. It does not directly change the encoded amino acid sequence of the PIK3CD protein. It affects a nucleotide within the consensus splice site. This variant has not been reported in the literature in individuals affected with PIK3CD-related conditions. In summary, the available evidence is currently insufficient to determine the role of this variant in disease. Therefore, it has been classified as a Variant of Uncertain Significance. Variants that disrupt the consensus splice site are a relatively common cause of aberrant splicing (PMID: 17576681, 9536098). Algorithms developed to predict the effect of sequence changes on RNA splicing suggest that this variant is not likely to affect RNA splicing.

Literature cited by the submitters: PubMed 17576681; PubMed 9536098.